The following is an entry in ClinVar:

NM_005359.6(SMAD4):c.1242del (p.Asp415fs)

Gene: SMAD4 (SMAD family member 4; plus strand). Cytogenetic location: 18q21.2.
Variant type: Deletion.
Coding change: c.1242del on transcript NM_005359.6 (MANE Select); coding-DNA position 1242, one base deleted (A; older notation c.1242delA).
Protein change: p.Asp415fs; shifts the reading frame from aspartic acid 415.
Molecular consequence: frameshift variant.
Genome position (GRCh38, 1-based): chr18:51,067,121, A deleted. VCF-style (leftmost placement, unchanged base first): chr18-51067120-TA-T. GRCh37 (hg19) VCF-style: chr18-48593490-TA-T.
Other names: c.1242delA (NM_005359.5); short protein forms D415fs.
Identifiers: ClinVar variation 24847 (VCV000024847.11), dbSNP rs377767358, ClinGen allele CA259233.

ClinVar aggregate classification (germline): Pathogenic (1 of 4 stars; one submission).

Conditions:
Juvenile polyposis syndrome (JPS). Identifiers: Orphanet 2929, MedGen C0345893, MONDO:0017380, OMIM 174900.

Submission:

Labcorp Genetics (formerly Invitae), Labcorp
Classification: Pathogenic for Juvenile polyposis syndrome. Last evaluated: 2018-10-11. Review status: criteria provided, single submitter. Criteria: Invitae Variant Classification Sherloc (09022015). Collection method: clinical testing. Allele origin: germline.
Comment: This sequence change creates a premature translational stop signal (p.Asp415Thrfs*21) in the SMAD4 gene. It is expected to result in an absent or disrupted protein product. This variant is not present in population databases (ExAC no frequency). For these reasons, this variant has been classified as Pathogenic. Loss-of-function variants in SMAD4 are known to be pathogenic (PMID: 16152648, 16436638, 22810475). This variant has been observed in an individual affected with juvenile polyposis syndrome (PMID: 16152648). ClinVar contains an entry for this variant (Variation ID: 24847).

Literature cited by the submitters: PubMed 16152648; PubMed 16436638; PubMed 22810475.